The following is an entry in ClinVar:

ClinVar aggregate classification (germline): Pathogenic. Review status: criteria provided, multiple submitters, no conflicts (2 of 4 stars). 2 submissions from 2 submitters: Pathogenic (2). Last evaluated 2024-09-10.

Conditions:
Maturity-onset diabetes of the young (MODY). Also called: Maturity onset diabetes mellitus in young. Identifiers: Orphanet 552, MedGen C0342276, MONDO:0018911, HP:0004904.

Submissions (2):

Women's Health and Genetics/Laboratory Corporation of America, LabCorp
Classification: Pathogenic for Maturity-onset diabetes of the young. Last evaluated: 2024-09-10. Review status: criteria provided, single submitter. Criteria: LabCorp Variant Classification Summary - May 2015. Collection method: clinical testing. Allele origin: germline.
Comment: Variant summary: HNF1A c.1417C>T (p.Gln473X) results in a premature termination codon, predicted to cause a truncation of the encoded protein or absence of the protein due to nonsense mediated decay, which are commonly known mechanisms for disease. The variant was absent in 249840 control chromosomes. c.1417C>T has been reported in the literature in individuals affected with Maturity Onset Diabetes Of The Young 3 (Awa_2011). To our knowledge, no experimental evidence demonstrating an impact on protein function has been reported. The following publication have been ascertained in the context of this evaluation (PMID: 21224407). ClinVar contains an entry for this variant (Variation ID: 2735987). Based on the evidence outlined above, the variant was classified as pathogenic.

Labcorp Genetics (formerly Invitae), Labcorp
Classification: Pathogenic. Last evaluated: 2024-06-12. Review status: criteria provided, single submitter. Criteria: Invitae Variant Classification Sherloc (09022015). Collection method: clinical testing. Allele origin: germline.
Comment: This sequence change creates a premature translational stop signal (p.Gln473*) in the HNF1A gene. It is expected to result in an absent or disrupted protein product. Loss-of-function variants in HNF1A are known to be pathogenic (PMID: 15928245, 18003757). This variant is not present in population databases (gnomAD no frequency). This premature translational stop signal has been observed in individual(s) with maturity onset diabetes of the young (PMID: 21224407). For these reasons, this variant has been classified as Pathogenic.

Literature cited by the submitters: PubMed 21224407 (cited by Women's Health and Genetics/Laboratory Corporation of America, LabCorp and Labcorp Genetics (formerly Invitae), Labcorp); PubMed 15928245 (cited by Labcorp Genetics (formerly Invitae), Labcorp); PubMed 18003757 (cited by Labcorp Genetics (formerly Invitae), Labcorp).

NM_000545.8(HNF1A):c.1417C>T (p.Gln473Ter)

Gene: HNF1A (HNF1 homeobox A; plus strand). Cytogenetic location: 12q24.31.
Variant type: single nucleotide variant.
Coding change: c.1417C>T on transcript NM_000545.8 (MANE Select); coding-DNA position 1417, C replaced by T.
Protein change: p.Gln473Ter; replaces glutamine 473 with a stop codon.
Molecular consequence: nonsense. On other transcripts: intron variant (1).
Genome position (GRCh38, 1-based): chr12:120,997,581, C>T. VCF-style: chr12-120997581-C-T. GRCh37 (hg19) VCF-style: chr12-121435384-C-T.
Other names: c.1417C>T, p.Gln473Ter (NM_001306179.2); c.1309+839C>T (NM_001406915.1); short protein forms Q473*.
Identifiers: ClinVar variation 2735987 (VCV002735987.4), dbSNP rs2135847863, ClinGen allele CA386970201.
Genomic context (GRCh38, chr12:120,997,581, plus strand): 5'-GGCAGCAGCCTGACCACCCTGCAGCCCGTCCAGTTCTCCCAGCCGCTGCACCCCTCCTAC[C>T]AGCAGCCGCTCATGCCACCTGTGCAGAGCCATGTGACCCAGAGCCCCTTCATGGCCACCA-3'